The following is an entry in ClinVar:

NM_138694.4(PKHD1):c.3754del (p.Leu1252fs)

Gene: PKHD1 (PKHD1 ciliary IPT domain containing fibrocystin/polyductin; minus strand). Cytogenetic location: 6p12.2.
Variant type: Deletion.
Coding change: c.3754del on transcript NM_138694.4 (MANE Select); coding-DNA position 3754, one base deleted (C; older notation c.3754delC).
Protein change: p.Leu1252fs; shifts the reading frame from leucine 1252.
Molecular consequence: frameshift variant.
Genome position (GRCh38, 1-based): chr6:52,026,056, G deleted on the plus strand (C on the coding strand, the reverse complement: PKHD1 is on the minus strand); the first of 3 consecutive G bases (chr6:52,026,056-52,026,058); deleting any one gives the same sequence. VCF-style (leftmost placement, unchanged base first): chr6-52026055-AG-A. GRCh37 (hg19) VCF-style: chr6-51890853-AG-A.
Other names: c.3754del, p.Leu1252fs (NM_170724.3); c.3754delC (NM_138694.3); short protein forms L1252fs.
Identifiers: ClinVar variation 1457010 (VCV001457010.11), dbSNP rs2128146668, ClinGen allele CA2573140981.

ClinVar aggregate classification (germline): Pathogenic/Likely pathogenic. Review status: criteria provided, multiple submitters, no conflicts (2 of 4 stars). 4 submissions from 4 submitters: Pathogenic (1); Likely pathogenic (3). Last evaluated 2024-08-15.

Conditions:
Polycystic kidney disease 4 (PKD4). Also called: POLYCYSTIC KIDNEY AND HEPATIC DISEASE 1; POLYCYSTIC KIDNEY DISEASE, INFANTILE, TYPE I; POLYCYSTIC KIDNEY DISEASE 4 WITH OR WITHOUT POLYCYSTIC LIVER DISEASE; Autosomal Recessive Polycystic Kidney Disease – PKHD1; PKD3. Identifiers: MedGen C4540575, MONDO:0033004, OMIM 263200.
Autosomal recessive polycystic kidney disease (ARPKD). Also called: AR polycystic kidney disease. Identifiers: Orphanet 731, Orphanet 8378, MedGen C0085548, MeSH D017044, MONDO:0009889.

Submissions (4):

Natera, Inc.
Classification: Likely pathogenic for Autosomal recessive polycystic kidney disease. Last evaluated: 2024-08-15. Review status: criteria provided, single submitter. Criteria: Natera Variant Classification Schema (03/2026). Collection method: clinical testing. Allele origin: germline.
Comment: The c.3754delC variant in PKHD1 is a frameshift variant predicted to shift the reading frame beginning at codon 1252 and leads to a stop codon 51 codons downstream. This variant is expected to result in nonsense mediated decay, truncation, or a dysfunctional protein product. This variant is rare in the general population with a frequency below the threshold expected for the associated phenotype(s). Given the available evidence, this variant is classified as Likely Pathogenic.

Fulgent Genetics
Classification: Likely pathogenic for Polycystic kidney disease 4. Last evaluated: 2024-04-19. Review status: criteria provided, single submitter. Criteria: ACMG Guidelines, 2015. Collection method: clinical testing. Allele origin: germline.

Labcorp Genetics (formerly Invitae), Labcorp
Classification: Pathogenic for Autosomal recessive polycystic kidney disease. Last evaluated: 2021-08-09. Review status: criteria provided, single submitter. Criteria: Invitae Variant Classification Sherloc (09022015). Collection method: clinical testing. Allele origin: germline.
Comment: This sequence change creates a premature translational stop signal (p.Leu1252Cysfs*51) in the PKHD1 gene. It is expected to result in an absent or disrupted protein product. Loss-of-function variants in PKHD1 are known to be pathogenic (PMID: 19940839). This variant is not present in population databases (ExAC no frequency). This variant has not been reported in the literature in individuals affected with PKHD1-related conditions. For these reasons, this variant has been classified as Pathogenic.

Neuberg Centre For Genomic Medicine, NCGM
Classification: Likely pathogenic for Polycystic kidney disease 4. Review status: criteria provided, single submitter. Criteria: ACMG Guidelines, 2015. Collection method: clinical testing. Allele origin: germline. Inheritance: Autosomal recessive inheritance. Affected: yes.
Comment: The observed frameshift variant c.3754delp.Leu1252CysfsTer51 in PKHD1 gene has not been reported previously as a pathogenic variant nor as a benign variant, to our knowledge. The p.Leu1252CysfsTer51 variant is absent in gnomAD Exomes. It has been submitted to ClinVar as Pathogenic single submitter. This variant causes a frameshift starting with codon Leucine 1252, changes this amino acid to Cysteine residue, and creates a premature Stop codon at position 51 of the new reading frame, denoted p.Leu1252CysfsTer51.This variant is predicted to cause loss of normal protein function through protein truncation. Loss of function variants have been previously reported to be disease causing Denamur E, et al., 2010. For these reasons, this variant has been classified as Likely Pathogenic.

Literature cited by the submitters: PubMed 19940839 (cited by Labcorp Genetics (formerly Invitae), Labcorp).